The following is an entry in ClinVar:

NM_004444.5(EPHB4):c.1943C>A (p.Thr648Asn)

Gene: EPHB4 (EPH receptor B4; minus strand). Cytogenetic location: 7q22.1.
Variant type: single nucleotide variant.
Coding change: c.1943C>A on transcript NM_004444.5 (MANE Select); coding-DNA position 1943, C replaced by A.
Protein change: p.Thr648Asn; replaces threonine 648 with asparagine.
Molecular consequence: missense variant.
Genome position (GRCh38, 1-based): chr7:100,812,922, G>T on the plus strand (C>A on the coding strand, the complement: EPHB4 is on the minus strand). VCF-style: chr7-100812922-G-T. GRCh37 (hg19) VCF-style: chr7-100410544-G-T.
Other names: short protein forms T648N.
Identifiers: ClinVar variation 3275983 (VCV003275983.1).

ClinVar aggregate classification (germline): Uncertain significance (1 of 4 stars; one submission).

Conditions:
Cardiovascular phenotype. Identifiers: MedGen CN230736.

Submission:

Ambry Genetics
Classification: Uncertain significance for Cardiovascular phenotype. Last evaluated: 2024-05-06. Review status: criteria provided, single submitter. Criteria: Ambry Variant Classification Scheme 2023. Collection method: clinical testing. Allele origin: germline.
Comment: The p.T648N variant (also known as c.1943C>A), located in coding exon 12 of the EPHB4 gene, results from a C to A substitution at nucleotide position 1943. The threonine at codon 648 is replaced by asparagine, an amino acid with similar properties. This amino acid position is conserved. In addition, the in silico prediction for this alteration is inconclusive. Based on the available evidence, the clinical significance of this variant remains unclear.